The following is an entry in ClinVar:

NM_001283009.2(RTEL1):c.1292A>T (p.His431Leu)

Genes: RTEL1 (regulator of telomere elongation helicase 1; plus strand), RTEL1-TNFRSF6B (RTEL1-TNFRSF6B readthrough (NMD candidate); plus strand). Cytogenetic location: 20q13.33.
Variant type: single nucleotide variant.
Coding change: c.1292A>T on transcript NM_001283009.2 (MANE Select); coding-DNA position 1292, A replaced by T.
Protein change: p.His431Leu; replaces histidine 431 with leucine.
Molecular consequence: missense variant. On other transcripts: non-coding transcript variant (1).
Genome position (GRCh38, 1-based): chr20:63,685,816, A>T. VCF-style: chr20-63685816-A-T. GRCh37 (hg19) VCF-style: chr20-62317169-A-T.
Other names: c.623A>T, p.His208Leu (NM_001283010.1); c.1292A>T, p.His431Leu (NM_016434.4); c.1364A>T, p.His455Leu (NM_032957.5); c.1364A>T (NM_032957.4); short protein forms H208L, H455L, H431L.
Identifiers: ClinVar variation 2177574 (VCV002177574.3), dbSNP rs914817068, ClinGen allele CA317505910.
Genomic context (GRCh38, chr20:63,685,816, plus strand): 5'-CGGGGCCTCCACACTCCTGGTCCTGTCCCCTCCAGGTGCACATCCATCCTGATGCTGGTC[A>T]CCGGAGGACGGCTCAGCGGTCTGATGCCTGGAGCACCACTGCAGCCAGAAAGCGAGGTAC-3'
Protein context (NP_001269938.1, residues 421-441): YKVHIHPDAG[His431Leu]RRTAQRSDAW

ClinVar aggregate classification (germline): Uncertain significance. Review status: criteria provided, multiple submitters, no conflicts (2 of 4 stars). 3 submissions from 3 submitters: Uncertain significance (3). Last evaluated 2024-11-14.

Conditions:
Inborn genetic diseases. Identifiers: MedGen C0950123, MeSH D030342.
Pulmonary fibrosis and/or bone marrow failure, Telomere-related, 3. Also called: PULMONARY FIBROSIS AND/OR BONE MARROW FAILURE SYNDROME, TELOMERE-RELATED, 3. Identifiers: Orphanet 2032, MedGen C4225346, MONDO:0014613, OMIM 616373.
Dyskeratosis congenita, autosomal recessive 5 (DKCB5). Identifiers: MedGen C3554656, MONDO:0014076, OMIM 615190.

Allele frequency attached by ClinVar (database versions not stated): gnomAD exomes 0.00002.
gnomAD v4.1: 31 of 1,612,632 alleles (0.0019%); highest among the groups gnomAD compares: Non-Finnish European, 0.0025%; no homozygotes.

Submissions (3):

Ambry Genetics
Classification: Uncertain significance for Inborn genetic diseases. Last evaluated: 2024-11-14. Review status: criteria provided, single submitter. Criteria: Ambry Variant Classification Scheme 2023. Collection method: clinical testing. Allele origin: germline.

Fulgent Genetics
Classification: Uncertain significance for Dyskeratosis congenita, autosomal recessive 5; Pulmonary fibrosis and/or bone marrow failure, Telomere-related, 3. Last evaluated: 2024-05-22. Review status: criteria provided, single submitter. Criteria: ACMG Guidelines, 2015. Collection method: clinical testing. Allele origin: germline.

Labcorp Genetics (formerly Invitae), Labcorp
Classification: Uncertain significance for Dyskeratosis congenita, autosomal recessive 5; Pulmonary fibrosis and/or bone marrow failure, Telomere-related, 3. Last evaluated: 2022-08-08. Review status: criteria provided, single submitter. Criteria: Invitae Variant Classification Sherloc (09022015). Collection method: clinical testing. Allele origin: germline.
Comment: This sequence change replaces histidine, which is basic and polar, with leucine, which is neutral and non-polar, at codon 431 of the RTEL1 protein (p.His431Leu). This variant is not present in population databases (gnomAD no frequency). This variant has not been reported in the literature in individuals affected with RTEL1-related conditions. Algorithms developed to predict the effect of missense changes on protein structure and function (SIFT, PolyPhen-2, Align-GVGD) all suggest that this variant is likely to be tolerated. In summary, the available evidence is currently insufficient to determine the role of this variant in disease. Therefore, it has been classified as a Variant of Uncertain Significance.